The following is an entry in ClinVar:

NM_001128228.3(TPRN):c.122C>T (p.Ala41Val)

Genes: TPRN (taperin; minus strand), LOC130003093 (ATAC-STARR-seq lymphoblastoid silent region 20590; plus strand). Cytogenetic location: 9q34.3.
Variant type: single nucleotide variant.
Coding change: c.122C>T on transcript NM_001128228.3 (MANE Select); coding-DNA position 122, C replaced by T.
Protein change: p.Ala41Val; replaces alanine 41 with valine.
Molecular consequence: missense variant.
Genome position (GRCh38, 1-based): chr9:137,200,590, G>A on the plus strand (C>T on the coding strand, the complement: TPRN is on the minus strand). VCF-style: chr9-137200590-G-A. GRCh37 (hg19) VCF-style: chr9-140095042-G-A.
Other names: short protein forms A41V.
Identifiers: ClinVar variation 1313946 (VCV001313946.2), dbSNP rs2131355576, ClinGen allele CA375784648.

ClinVar aggregate classification (germline): Uncertain significance (1 of 4 stars; one submission).

Allele frequency attached by ClinVar (database versions not stated): gnomAD exomes 0.00001.
gnomAD v4.1: 1 of 1,152,340 alleles (0.000087%); no homozygotes.

Submission:

GeneDx
Classification: Uncertain significance. Last evaluated: 2021-01-08. Review status: criteria provided, single submitter. Criteria: GeneDx Variant Classification Process June 2021. Collection method: clinical testing. Allele origin: germline. Affected: yes.
Comment: Not observed in large population cohorts (Lek et al., 2016); In silico analysis supports that this missense variant does not alter protein structure/function; Has not been previously published as pathogenic or benign to our knowledge